The following is an entry in ClinVar:

ClinVar aggregate classification (germline): Uncertain significance (1 of 4 stars; one submission).

Conditions:
Hereditary cancer-predisposing syndrome. Also called: Hereditary Cancer Syndrome; Tumor predisposition; Hereditary neoplastic syndrome; Neoplastic Syndromes, Hereditary. Identifiers: Orphanet 140162, MedGen C0027672, MeSH D009386, MONDO:0015356.

Submission:

Ambry Genetics
Classification: Uncertain significance for Hereditary cancer-predisposing syndrome. Last evaluated: 2024-09-17. Review status: criteria provided, single submitter. Criteria: Ambry Variant Classification Scheme 2023. Collection method: clinical testing. Allele origin: germline.
Comment: The p.T895I variant (also known as c.2684C>T), located in coding exon 4 of the MSH6 gene, results from a C to T substitution at nucleotide position 2684. The threonine at codon 895 is replaced by isoleucine, an amino acid with similar properties. This amino acid position is conserved. In addition, this alteration is predicted to be tolerated by in silico analysis. Based on the available evidence, the clinical significance of this variant remains unclear.

NM_000179.3(MSH6):c.2684C>T (p.Thr895Ile)

Gene: MSH6 (mutS homolog 6; plus strand). Cytogenetic location: 2p16.3.
Variant type: single nucleotide variant.
Coding change: c.2684C>T on transcript NM_000179.3 (MANE Select); coding-DNA position 2684, C replaced by T.
Protein change: p.Thr895Ile; replaces threonine 895 with isoleucine.
Molecular consequence: missense variant. On other transcripts: non-coding transcript variant (5), intron variant (2).
Genome position (GRCh38, 1-based): chr2:47,800,667, C>T. VCF-style: chr2-47800667-C-T. GRCh37 (hg19) VCF-style: chr2-48027806-C-T.
Other names: c.2294C>T, p.Thr765Ile (NM_001281492.2); c.1778C>T, p.Thr593Ile (NM_001281493.2, NM_001281494.2, NM_001406811.1 and 6 more transcripts); c.2780C>T, p.Thr927Ile (NM_001406795.1, NM_001406802.1); c.2684C>T, p.Thr895Ile (NM_001406796.1, NM_001406798.1, NM_001406800.1 and 2 more transcripts); c.2387C>T, p.Thr796Ile (NM_001406797.1, NM_001406801.1, NM_001406805.1 and 10 more transcripts); c.2159C>T, p.Thr720Ile (NM_001406799.1, NM_001406806.1, NM_001406807.1); c.2606C>T, p.Thr869Ile (NM_001406804.1); c.2690C>T, p.Thr897Ile (NM_001406813.1); and 4 more; short protein forms T593I, T765I, T796I, T839I, T895I, T210I, T720I, T927I.
Identifiers: ClinVar variation 3398919 (VCV003398919.1).